The following is an entry in ClinVar:

ClinVar aggregate classification (germline): Likely benign (1 of 4 stars; one submission).

Conditions:
Familial cancer of breast. Also called: hereditary breast carcinoma; BREAST CANCER, FAMILIAL; Hereditary breast cancer. Identifiers: Orphanet 227535, MedGen C0346153, MONDO:0016419, OMIM 114480. Disease mechanism: loss of function.

Submission:

Myriad Genetics, Inc.
Classification: Likely benign for Familial cancer of breast. Last evaluated: 2024-06-17. Review status: criteria provided, single submitter. Criteria: Myriad Autosomal Dominant, Autosomal Recessive and X-Linked Classification Criteria (2023). Collection method: clinical testing. Allele origin: unknown.
Comment: This variant is considered likely benign. This variant is intronic and is not expected to impact mRNA splicing.

NM_000051.4(ATM):c.7927+8T>C

Genes: ATM (ATM serine/threonine kinase; plus strand), C11orf65 (chromosome 11 open reading frame 65; minus strand). Cytogenetic location: 11q22.3.
Variant type: single nucleotide variant.
Coding change: c.7927+8T>C on transcript NM_000051.4 (MANE Select); 8 bases into the intron after coding-DNA position 7927, T replaced by C.
Molecular consequence: intron variant.
Genome position (GRCh38, 1-based): chr11:108,332,908, T>C. VCF-style: chr11-108332908-T-C. GRCh37 (hg19) VCF-style: chr11-108203635-T-C.
Other names: c.7927+8T>C (NM_001351834.2); c.641-23837A>G (NM_001330368.2); c.*38+2312A>G (NM_001351110.2).
Identifiers: ClinVar variation 3254422 (VCV003254422.1), dbSNP rs2547302021.